The following is an entry in ClinVar:

ClinVar aggregate classification (germline): Uncertain significance (1 of 4 stars; one submission).

Submission:

GeneDx
Classification: Uncertain significance. Last evaluated: 2024-09-20. Review status: criteria provided, single submitter. Criteria: GeneDx Variant Classification Process June 2021. Collection method: clinical testing. Allele origin: germline. Affected: yes.
Comment: Not observed at significant frequency in large population cohorts (gnomAD); Frameshift variant predicted to result in abnormal protein length as the last 156 amino acids are replaced with 50 different amino acids; Has not been previously published as pathogenic or benign to our knowledge

NM_021975.4(RELA):c.1184dup (p.Ala396fs)

Gene: RELA (RELA proto-oncogene, NF-kB subunit; minus strand). Cytogenetic location: 11q13.1.
Variant type: Duplication.
Coding change: c.1184dup on transcript NM_021975.4 (MANE Select); coding-DNA position 1184, one base duplicated (C; older notation c.1184dupC).
Protein change: p.Ala396fs; shifts the reading frame from alanine 396.
Molecular consequence: frameshift variant. On other transcripts: intron variant (1).
Genome position (GRCh38, 1-based): chr11:65,654,850, G duplicated on the plus strand (C on the coding strand, the reverse complement: RELA is on the minus strand); the first of 4 consecutive G bases (chr11:65,654,850-65,654,853); duplicating any one gives the same sequence. VCF-style (leftmost placement, unchanged base first): chr11-65654849-A-AG. GRCh37 (hg19) VCF-style: chr11-65422320-A-AG.
Other names: c.1175dup, p.Ala393fs (NM_001145138.2); c.1184dup, p.Ala396fs (NM_001243985.2); c.1217dup, p.Ala407fs (NM_001404657.1); c.1157dup, p.Ala387fs (NM_001404658.1); c.971dup, p.Ala325fs (NM_001404659.1); c.866dup, p.Ala290fs (NM_001404660.1); c.803dup, p.Ala269fs (NM_001404661.1); c.1091dup, p.Ala365fs (NM_001404662.1, NM_001404663.1); and 1 more; short protein forms A269fs, A290fs, A325fs, A365fs, A387fs, A393fs, A396fs, A407fs.
Identifiers: ClinVar variation 3774269 (VCV003774269.1).
Genomic context (GRCh38, chr11:65,654,849, plus strand): 5'-TGGGGCTAGGACTGGGACAGGGGCTGGGGCCTGGGCCAGAGCTGATACCATGGCTGGAGC[A>AG]GGGGCAGGGGCTGGAGCCTGGGGCAGGACTTGGGGAGGGGCCGGGGCCAAGGCCGAGGCC-3'